The following is an entry in ClinVar:

ClinVar aggregate classification (germline): Uncertain significance (1 of 4 stars; one submission).

Conditions:
KMT2E-related disorder. Also called: KMT2E-related condition.

Submission:

PreventionGenetics, part of Exact Sciences
Classification: Uncertain significance for KMT2E-related condition. Last evaluated: 2024-11-27. Review status: criteria provided, single submitter. Criteria: ACMG Guidelines, 2015. Collection method: clinical testing. Allele origin: germline.
Comment: The KMT2E c.5272G>C variant is predicted to result in the amino acid substitution p.Val1758Leu. To our knowledge, this variant has not been reported in the literature or in a large population database (gnomAD), indicating this variant is rare. At this time, the clinical significance of this variant is uncertain due to the absence of conclusive functional and genetic evidence.

NM_182931.3(KMT2E):c.5272G>C (p.Val1758Leu)

Gene: KMT2E (lysine methyltransferase 2E (inactive); plus strand). Cytogenetic location: 7q22.3.
Variant type: single nucleotide variant.
Coding change: c.5272G>C on transcript NM_182931.3 (MANE Select); coding-DNA position 5272, G replaced by C.
Protein change: p.Val1758Leu; replaces valine 1758 with leucine.
Molecular consequence: missense variant.
Genome position (GRCh38, 1-based): chr7:105,113,028, G>C. VCF-style: chr7-105113028-G-C. GRCh37 (hg19) VCF-style: chr7-104753475-G-C.
Other names: c.5146G>C, p.Val1716Leu (NM_001410908.1); c.5272G>C, p.Val1758Leu (NM_018682.4); short protein forms V1758L, V1716L.
Identifiers: ClinVar variation 5002264 (VCV005002264.1).